The following is an entry in ClinVar:

ClinVar aggregate classification (germline): Likely pathogenic. Review status: criteria provided, multiple submitters, no conflicts (2 of 4 stars). 2 submissions from 2 submitters: Likely pathogenic (2). Last evaluated 2022-10-28.

Conditions:
Hereditary spherocytosis type 1. Also called: Spherocytosis type 1; ANK1-Related Spherocytosis. Identifiers: Orphanet 822, MedGen C2674218, MONDO:0008447, OMIM 182900.

Submissions (2):

Revvity Omics, Revvity
Classification: Likely pathogenic for Hereditary spherocytosis type 1. Last evaluated: 2022-10-28. Review status: criteria provided, single submitter. Criteria: ACMG Guidelines, 2015. Collection method: clinical testing. Allele origin: germline.

Labcorp Genetics (formerly Invitae), Labcorp
Classification: Likely pathogenic. Last evaluated: 2021-08-19. Review status: criteria provided, single submitter. Criteria: Invitae Variant Classification Sherloc (09022015). Collection method: clinical testing. Allele origin: germline.
Comment: This sequence change affects a donor splice site in intron 36 of the ANK1 gene. It is expected to disrupt RNA splicing. Variants that disrupt the donor or acceptor splice site typically lead to a loss of protein function (PMID: 16199547), and loss-of-function variants in ANK1 are known to be pathogenic (PMID: 8640229). This variant is not present in population databases (ExAC no frequency). This variant has not been reported in the literature in individuals affected with ANK1-related conditions. Algorithms developed to predict the effect of sequence changes on RNA splicing suggest that this variant may disrupt the consensus splice site. In summary, the currently available evidence indicates that the variant is pathogenic, but additional data are needed to prove that conclusively. Therefore, this variant has been classified as Likely Pathogenic.

Literature cited by the submitters: PubMed 16199547 (cited by Labcorp Genetics (formerly Invitae), Labcorp); PubMed 8640229 (cited by Labcorp Genetics (formerly Invitae), Labcorp).

NM_000037.4(ANK1):c.4390+1G>A

Gene: ANK1 (ankyrin 1; minus strand). Cytogenetic location: 8p11.21.
Variant type: single nucleotide variant.
Coding change: c.4390+1G>A on transcript NM_000037.4 (MANE Select); the canonical splice donor site of the intron after coding-DNA position 4390, G replaced by A.
Molecular consequence: splice donor variant.
Genome position (GRCh38, 1-based): chr8:41,686,151, C>T on the plus strand (G>A on the coding strand, the complement: ANK1 is on the minus strand). VCF-style: chr8-41686151-C-T. GRCh37 (hg19) VCF-style: chr8-41543669-C-T.
Other names: c.4513+1G>A (NM_001142446.2); c.4390+1G>A (NM_020477.3, NM_020475.3, NM_020476.3).
Identifiers: ClinVar variation 1523866 (VCV001523866.8), dbSNP rs2150580336, ClinGen allele CA371057287.